The following is an entry in ClinVar:

NM_002834.5(PTPN11):c.235C>A (p.Gln79Lys)

Gene: PTPN11 (protein tyrosine phosphatase non-receptor type 11; plus strand). Cytogenetic location: 12q24.13.
Variant type: single nucleotide variant.
Coding change: c.235C>A on transcript NM_002834.5 (MANE Select); coding-DNA position 235, C replaced by A.
Protein change: p.Gln79Lys; replaces glutamine 79 with lysine.
Molecular consequence: missense variant.
Genome position (GRCh38, 1-based): chr12:112,450,415, C>A. VCF-style: chr12-112450415-C-A. GRCh37 (hg19) VCF-style: chr12-112888219-C-A.
Other names: c.235C>A, p.Gln79Lys (NM_001330437.2, NM_080601.3); c.232C>A, p.Gln78Lys (NM_001374625.1); short protein forms Q79K, Q78K.
Identifiers: ClinVar variation 44605 (VCV000044605.9), dbSNP rs397516803, ClinGen allele CA261581.

ClinVar aggregate classification (germline): Likely pathogenic. Review status: criteria provided, multiple submitters, no conflicts (2 of 4 stars). 3 submissions from 3 submitters: Likely pathogenic (3). Last evaluated 2025-11-03.

Conditions:
RASopathy. Also called: rasopathies; Noonan spectrum disorder. Identifiers: Orphanet 536391, MedGen C5555857, MONDO:0021060.
Noonan syndrome (NS). Also called: Noonan's syndrome. Identifiers: Orphanet 648, MedGen C0028326, MeSH D009634, MONDO:0018997. Disease mechanism: gain of function.

Submissions (3):

GeneDx
Classification: Likely pathogenic. Last evaluated: 2025-11-03. Review status: criteria provided, single submitter. Criteria: GeneDx Variant Classification Process June 2021. Collection method: clinical testing. Allele origin: germline.
Comment: Missense variants in this gene are a common cause of disease and they are underrepresented in the general population; Not observed at significant frequency in large population cohorts (gnomAD); In silico analysis supports that this missense variant has a deleterious effect on protein structure/function; This variant is associated with the following publications: (PMID: 31370276, 29493581)

Labcorp Genetics (formerly Invitae), Labcorp
Classification: Likely pathogenic for RASopathy. Last evaluated: 2024-01-03. Review status: criteria provided, single submitter. Criteria: Invitae Variant Classification Sherloc (09022015). Collection method: clinical testing. Allele origin: germline.
Comment: This sequence change replaces glutamine, which is neutral and polar, with lysine, which is basic and polar, at codon 79 of the PTPN11 protein (p.Gln79Lys). This variant is not present in population databases (gnomAD no frequency). This missense change has been observed in individual(s) with Noonan syndrome (PMID: 31370276; Invitae). ClinVar contains an entry for this variant (Variation ID: 44605). Advanced modeling of protein sequence and biophysical properties (such as structural, functional, and spatial information, amino acid conservation, physicochemical variation, residue mobility, and thermodynamic stability) performed at Invitae indicates that this missense variant is expected to disrupt PTPN11 protein function with a positive predictive value of 95%. This variant disrupts the p.Gln79 amino acid residue in PTPN11. Other variant(s) that disrupt this residue have been determined to be pathogenic (PMID: 34589056, 35616356, 35979676; Invitae). This suggests that this residue is clinically significant, and that variants that disrupt this residue are likely to be disease-causing. In summary, the currently available evidence indicates that the variant is pathogenic, but additional data are needed to prove that conclusively. Therefore, this variant has been classified as Likely Pathogenic.

Laboratory for Molecular Medicine, Mass General Brigham Personalized Medicine
Classification: Likely pathogenic for Noonan syndrome. Last evaluated: 2013-01-28. Review status: criteria provided, single submitter. Criteria: LMM Criteria. Collection method: clinical testing. Allele origin: germline. Observed: 3 variant alleles.
Comment: The Gln79Lys variant in PTPN11 has been identified by our laboratory in three af fected individuals in from a family with clinical features of Noonan syndrome. W hile this variant has not been reported in the literature, two different amino a cid changes at this position have been reported and identified by our laboratory in many individuals with clinical features of Noonan syndrome (Gln79Arg, Gln79P ro; Karbach 2011, Sarkozy 2003, Tartaglia 2006). At least two of these cases occ urred de novo (Sarkozy 2003). Computational analyses (biochemical amino acid pro perties, conservation, AlignGVGD, PolyPhen2, and SIFT) do not provide strong sup port for or against an impact to the protein. In summary, this variant is likely pathogenic based on the presence of other pathogenic variants at this position and the segregation of this variant in family members, though additional studies are required to fully establish its clinical significance.

Literature cited by the submitters: PubMed 31370276 (cited by Labcorp Genetics (formerly Invitae), Labcorp); PubMed 34589056 (cited by Labcorp Genetics (formerly Invitae), Labcorp); PubMed 35616356 (cited by Labcorp Genetics (formerly Invitae), Labcorp); PubMed 35979676 (cited by Labcorp Genetics (formerly Invitae), Labcorp); PubMed 22848035 (cited by Laboratory for Molecular Medicine, Mass General Brigham Personalized Medicine); PubMed 16358218 (cited by Laboratory for Molecular Medicine, Mass General Brigham Personalized Medicine); PubMed 12960218 (cited by Laboratory for Molecular Medicine, Mass General Brigham Personalized Medicine).